The following is an entry in ClinVar:

NM_001378030.1(CCDC78):c.778G>A (p.Gly260Ser)

Gene: CCDC78 (coiled-coil domain containing 78; minus strand). Cytogenetic location: 16p13.3.
Variant type: single nucleotide variant.
Coding change: c.778G>A on transcript NM_001378030.1 (MANE Select); coding-DNA position 778, G replaced by A.
Protein change: p.Gly260Ser; replaces glycine 260 with serine.
Molecular consequence: missense variant. On other transcripts: non-coding transcript variant (5).
Genome position (GRCh38, 1-based): chr16:724,497, C>T on the plus strand (G>A on the coding strand, the complement: CCDC78 is on the minus strand). VCF-style: chr16-724497-C-T. GRCh37 (hg19) VCF-style: chr16-774497-C-T.
Other names: c.778G>A, p.Gly260Ser (NM_001031737.3, NM_001378031.1); c.211G>A, p.Gly71Ser (NM_001378033.1); short protein forms G71S, G260S.
Identifiers: ClinVar variation 2731928 (VCV002731928.3), dbSNP rs755323760, ClinGen allele CA7789397.

ClinVar aggregate classification (germline): Uncertain significance (1 of 4 stars; one submission).

Conditions:
Congenital myopathy with internal nuclei and atypical cores. Also called: Myopathy, centronuclear, 4. Identifiers: Orphanet 319160, MedGen C4707232, MONDO:0013890, OMIM 614807.

Allele frequency attached by ClinVar (database versions not stated): gnomAD exomes below 0.00001; TOPMed below 0.00001; ExAC 0.00001; gnomAD 0.00001.
gnomAD v4.1: 4 of 1,598,578 alleles (0.00025%); highest among the groups gnomAD compares: South Asian, 0.0011%; no homozygotes.

Submission:

Labcorp Genetics (formerly Invitae), Labcorp
Classification: Uncertain significance for Congenital myopathy with internal nuclei and atypical cores. Last evaluated: 2022-11-14. Review status: criteria provided, single submitter. Criteria: Invitae Variant Classification Sherloc (09022015). Collection method: clinical testing. Allele origin: germline.
Comment: This variant has not been reported in the literature in individuals affected with CCDC78-related conditions. Advanced modeling of protein sequence and biophysical properties (such as structural, functional, and spatial information, amino acid conservation, physicochemical variation, residue mobility, and thermodynamic stability) performed at Invitae indicates that this missense variant is not expected to disrupt CCDC78 protein function. In summary, the available evidence is currently insufficient to determine the role of this variant in disease. Therefore, it has been classified as a Variant of Uncertain Significance. This variant is present in population databases (rs755323760, gnomAD 0.002%). This sequence change replaces glycine, which is neutral and non-polar, with serine, which is neutral and polar, at codon 260 of the CCDC78 protein (p.Gly260Ser).